The following is an entry in ClinVar:

ClinVar aggregate classification (germline): Likely benign (1 of 4 stars; one submission).

Allele frequency attached by ClinVar (database versions not stated): gnomAD exomes 0.00002.
gnomAD v4.1: 25 of 1,614,088 alleles (0.0015%); highest among the groups gnomAD compares: Non-Finnish European, 0.002%; no homozygotes.

Submission:

GeneDx
Classification: Likely benign. Last evaluated: 2016-01-04. Review status: criteria provided, single submitter. Criteria: GeneDx Variant Classification (06012015). Collection method: clinical testing. Allele origin: germline. Affected: yes.
Comment: This variant is considered likely benign or benign based on one or more of the following criteria: it is a conservative change, it occurs at a poorly conserved position in the protein, it is predicted to be benign by multiple in silico algorithms, and/or has population frequency not consistent with disease.

NM_014141.6(CNTNAP2):c.849C>A (p.Arg283=)

Gene: CNTNAP2 (contactin associated protein 2; plus strand). Cytogenetic location: 7q35.
Variant type: single nucleotide variant.
Coding change: c.849C>A on transcript NM_014141.6 (MANE Select); coding-DNA position 849, C replaced by A.
Protein change: p.Arg283=; no amino-acid change (arginine 283 retained).
Molecular consequence: synonymous variant.
Genome position (GRCh38, 1-based): chr7:147,121,073, C>A. VCF-style: chr7-147121073-C-A. GRCh37 (hg19) VCF-style: chr7-146818165-C-A.
Identifiers: ClinVar variation 382606 (VCV000382606.1), dbSNP rs1057521398, ClinGen allele CA16605146.
Genomic context (GRCh38, chr7:147,121,073, plus strand): 5'-ATCAGTGATGACAGGAAGTTTGCTGGATGACCACCACTGGCACTCTGTGGTCATTGAGCG[C>A]CAGGGGCGGAGCATTAACCTCACTCTGGACAGGAGCATGCAGCACTTCCGTACCAATGGA-3'
Protein context (NP_054860.1, residues 273-293): DHHWHSVVIE[Arg283=]QGRSINLTLD